The following is an entry in ClinVar:

ClinVar aggregate classification (germline): Uncertain significance. Review status: criteria provided, multiple submitters, no conflicts (2 of 4 stars). 2 submissions from 2 submitters: Uncertain significance (2). Last evaluated 2025-01-24.

gnomAD v4.1: 19 of 1,612,598 alleles (0.0012%); highest among the groups gnomAD compares: Non-Finnish European, 0.0015%; no homozygotes.

Submissions (2):

Ambry Genetics
Classification: Uncertain significance. Last evaluated: 2025-01-24. Review status: criteria provided, single submitter. Criteria: Ambry Variant Classification Scheme 2023. Collection method: clinical testing. Allele origin: germline.

GeneDx
Classification: Uncertain significance. Last evaluated: 2024-02-20. Review status: criteria provided, single submitter. Criteria: GeneDx Variant Classification Process June 2021. Collection method: clinical testing. Allele origin: germline. Affected: yes.
Comment: In silico analysis supports that this missense variant has a deleterious effect on protein structure/function; Has not been previously published as pathogenic or benign to our knowledge

NM_005632.3(CAPN15):c.1465G>A (p.Val489Met)

Gene: CAPN15 (calpain 15; plus strand). Cytogenetic location: 16p13.3.
Variant type: single nucleotide variant.
Coding change: c.1465G>A on transcript NM_005632.3 (MANE Select); coding-DNA position 1465, G replaced by A.
Protein change: p.Val489Met; replaces valine 489 with methionine.
Molecular consequence: missense variant.
Genome position (GRCh38, 1-based): chr16:549,008, G>A. VCF-style: chr16-549008-G-A. GRCh37 (hg19) VCF-style: chr16-599008-G-A.
Other names: short protein forms V489M.
Identifiers: ClinVar variation 3369320 (VCV003369320.2).
Genomic context (GRCh38, chr16:549,008, plus strand): 5'-GAGGCCACCCTGCCCAGCCTGAGCACATGGCCGTGGTCTCTGCAGAACAATGTGAGCTTC[G>A]TGGATGACAGCTTCCCTCCCGGGCCCGAGTCTGTCGGCTTCCCCGCGGGTGACAGCGTGC-3'
Protein context (NP_005623.1, residues 479-499): AFCRENNVSF[Val489Met]DDSFPPGPES